The following is an entry in ClinVar:

NM_031935.3(HMCN1):c.15691G>A (p.Val5231Met)

Gene: HMCN1 (hemicentin 1; plus strand). Cytogenetic location: 1q31.1.
Variant type: single nucleotide variant.
Coding change: c.15691G>A on transcript NM_031935.3 (MANE Select); coding-DNA position 15691, G replaced by A.
Protein change: p.Val5231Met; replaces valine 5231 with methionine.
Molecular consequence: missense variant.
Genome position (GRCh38, 1-based): chr1:186,172,008, G>A. VCF-style: chr1-186172008-G-A. GRCh37 (hg19) VCF-style: chr1-186141140-G-A.
Other names: c.15691G>A (NM_031935.2); short protein forms V5231M.
Identifiers: ClinVar variation 1928933 (VCV001928933.8), dbSNP rs1417650581, ClinGen allele CA343933413.

ClinVar aggregate classification (germline): Uncertain significance. Review status: criteria provided, multiple submitters, no conflicts (2 of 4 stars). 3 submissions from 3 submitters: Uncertain significance (3). Last evaluated 2023-04-11.

Conditions:
Age related macular degeneration 1 (ARMD1). Also called: MACULOPATHY, AGE-RELATED, 1. Identifiers: MedGen C1864205, MONDO:0011285, OMIM 603075.

Allele frequency attached by ClinVar (database versions not stated): gnomAD exomes below 0.00001.
gnomAD v4.1: 6 of 1,613,190 alleles (0.00037%); highest among the groups gnomAD compares: Non-Finnish European, 0.00051%; no homozygotes.

Submissions (3):

Genome-Nilou Lab
Classification: Uncertain significance for Age related macular degeneration 1. Last evaluated: 2023-04-11. Review status: criteria provided, single submitter. Criteria: ACMG Guidelines, 2015. Collection method: clinical testing. Allele origin: germline. Affected: no.

Ambry Genetics
Classification: Uncertain significance. Last evaluated: 2023-01-20. Review status: criteria provided, single submitter. Criteria: Ambry Variant Classification Scheme 2023. Collection method: clinical testing. Allele origin: germline.

Labcorp Genetics (formerly Invitae), Labcorp
Classification: Uncertain significance. Last evaluated: 2022-09-20. Review status: criteria provided, single submitter. Criteria: Invitae Variant Classification Sherloc (09022015). Collection method: clinical testing. Allele origin: germline.
Comment: This sequence change replaces valine, which is neutral and non-polar, with methionine, which is neutral and non-polar, at codon 5231 of the HMCN1 protein (p.Val5231Met). This variant is present in population databases (no rsID available, gnomAD 0.0009%). This variant has not been reported in the literature in individuals affected with HMCN1-related conditions. Algorithms developed to predict the effect of missense changes on protein structure and function are either unavailable or do not agree on the potential impact of this missense change (SIFT: "Deleterious"; PolyPhen-2: "Possibly Damaging"; Align-GVGD: "Class C0"). In summary, the available evidence is currently insufficient to determine the role of this variant in disease. Therefore, it has been classified as a Variant of Uncertain Significance.